The following is an entry in ClinVar:

NM_020780.2(DISP3):c.3230-4G>A

Gene: DISP3 (dispatched RND transporter family member 3; plus strand). Cytogenetic location: 1p36.22.
Variant type: single nucleotide variant.
Coding change: c.3230-4G>A on transcript NM_020780.2 (MANE Select); 4 bases into the intron before coding-DNA position 3230, G replaced by A.
Molecular consequence: intron variant.
Genome position (GRCh38, 1-based): chr1:11,531,561, G>A. VCF-style: chr1-11531561-G-A. GRCh37 (hg19) VCF-style: chr1-11591618-G-A.
Identifiers: ClinVar variation 3045526 (VCV003045526.2), dbSNP rs148058598, ClinGen allele CA592307.

ClinVar aggregate classification (germline): Likely benign (0 of 4 stars; one submission).

Conditions:
DISP3-related disorder. Also called: DISP3-related condition.

Allele frequency attached by ClinVar (database versions not stated): ESP Exome Variant Server 0.00071; 1000 Genomes Project 30x 0.00125; 1000 Genomes Project 0.00160.
gnomAD v4.1: 441 of 1,613,286 alleles (0.027%); highest among the groups gnomAD compares: African/African-American, 0.48%; 1 homozygote.

Submission:

PreventionGenetics, part of Exact Sciences
Classification: Likely benign for DISP3-related condition. Last evaluated: 2019-11-14. Review status: no assertion criteria provided. Collection method: clinical testing. Allele origin: germline.
Comment: This variant is classified as likely benign based on ACMG/AMP sequence variant interpretation guidelines (Richards et al. 2015 PMID: 25741868, with internal and published modifications).